The following is an entry in ClinVar:

NM_052947.4(ALPK2):c.6448G>C (p.Val2150Leu)

Gene: ALPK2 (alpha kinase 2; minus strand). Cytogenetic location: 18q21.31.
Variant type: single nucleotide variant.
Coding change: c.6448G>C on transcript NM_052947.4 (MANE Select); coding-DNA position 6448, G replaced by C.
Protein change: p.Val2150Leu; replaces valine 2150 with leucine.
Molecular consequence: missense variant.
Genome position (GRCh38, 1-based): chr18:58,481,888, C>G on the plus strand (G>C on the coding strand, the complement: ALPK2 is on the minus strand). VCF-style: chr18-58481888-C-G. GRCh37 (hg19) VCF-style: chr18-56149120-C-G.
Other names: short protein forms V2150L.
Identifiers: ClinVar variation 1753577 (VCV001753577.2), dbSNP rs2518842613, ClinGen allele CA402538390.

ClinVar aggregate classification (germline): Uncertain significance (1 of 4 stars; one submission).

Submission:

Ambry Genetics
Classification: Uncertain significance. Last evaluated: 2022-09-28. Review status: criteria provided, single submitter. Criteria: Ambry Variant Classification Scheme 2023. Collection method: clinical testing. Allele origin: germline.
Comment: The p.V2150L variant (also known as c.6448G>C), located in coding exon 12 of the ALPK2 gene, results from a G to C substitution at nucleotide position 6448. The valine at codon 2150 is replaced by leucine, an amino acid with highly similar properties. This amino acid position is conserved. In addition, this alteration is predicted to be tolerated by in silico analysis. Since supporting evidence is limited at this time, the clinical significance of this alteration remains unclear.